The following is an entry in ClinVar:

ClinVar aggregate classification (germline): Uncertain significance (1 of 4 stars; one submission).

Allele frequency attached by ClinVar (database versions not stated): ExAC 0.00001.

Submission:

Labcorp Genetics (formerly Invitae), Labcorp
Classification: Uncertain significance. Last evaluated: 2022-05-07. Review status: criteria provided, single submitter. Criteria: Invitae Variant Classification Sherloc (09022015). Collection method: clinical testing. Allele origin: germline.
Comment: This sequence change replaces threonine, which is neutral and polar, with asparagine, which is neutral and polar, at codon 805 of the TTLL5 protein (p.Thr805Asn). This variant is present in population databases (rs777517158, gnomAD 0.0009%). This variant has not been reported in the literature in individuals affected with TTLL5-related conditions. Algorithms developed to predict the effect of missense changes on protein structure and function are either unavailable or do not agree on the potential impact of this missense change (SIFT: "Deleterious"; PolyPhen-2: "Probably Damaging"; Align-GVGD: "Class C0"). In summary, the available evidence is currently insufficient to determine the role of this variant in disease. Therefore, it has been classified as a Variant of Uncertain Significance.

NM_015072.5(TTLL5):c.2414C>A (p.Thr805Asn)

Gene: TTLL5 (tubulin tyrosine ligase like 5; plus strand). Cytogenetic location: 14q24.3.
Variant type: single nucleotide variant.
Coding change: c.2414C>A on transcript NM_015072.5 (MANE Select); coding-DNA position 2414, C replaced by A.
Protein change: p.Thr805Asn; replaces threonine 805 with asparagine.
Molecular consequence: missense variant.
Genome position (GRCh38, 1-based): chr14:75,779,601, C>A. VCF-style: chr14-75779601-C-A. GRCh37 (hg19) VCF-style: chr14-76245944-C-A.
Other names: short protein forms T805N.
Identifiers: ClinVar variation 1937571 (VCV001937571.2), dbSNP rs777517158, ClinGen allele CA7279702.